The following is an entry in ClinVar:

NM_002838.5(PTPRC):c.1856T>C (p.Val619Ala)

Gene: PTPRC (protein tyrosine phosphatase receptor type C; plus strand). Cytogenetic location: 1q32.1.
Variant type: single nucleotide variant.
Coding change: c.1856T>C on transcript NM_002838.5 (MANE Select); coding-DNA position 1856, T replaced by C.
Protein change: p.Val619Ala; replaces valine 619 with alanine.
Molecular consequence: missense variant.
Genome position (GRCh38, 1-based): chr1:198,729,163, T>C. VCF-style: chr1-198729163-T-C. GRCh37 (hg19) VCF-style: chr1-198698292-T-C.
Other names: c.1373T>C, p.Val458Ala (NM_080921.4); c.1850T>C (NM_002838.3); short protein forms V619A, V458A.
Identifiers: ClinVar variation 2194214 (VCV002194214.2), dbSNP rs1257220764, ClinGen allele CA344042378.

ClinVar aggregate classification (germline): Uncertain significance. Review status: criteria provided, multiple submitters, no conflicts (2 of 4 stars). 2 submissions from 2 submitters: Uncertain significance (2). Last evaluated 2026-05-12.

Conditions:
Immunodeficiency 104. Also called: IMMUNODEFICIENCY 104, SEVERE COMBINED; Severe combined immunodeficiency, autosomal recessive, T cell-negative, B cell-positive, NK cell-positive; Severe Combined Immune Deficiency, Autosomal Recessive, TCell -Negative, B Cell-Positive, NK Cell-Positive, IL7R-Related; SCID, AUTOSOMAL RECESSIVE, T CELL-NEGATIVE, B CELL-POSITIVE, NK CELL-POSITIVE. Identifiers: MedGen C5676890, MONDO:0012163, OMIM 608971.
Inborn genetic diseases. Identifiers: MedGen C0950123, MeSH D030342.

Allele frequency attached by ClinVar (database versions not stated): TOPMed 0.00001; gnomAD exomes 0.00001.
gnomAD v4.1: 14 of 1,611,276 alleles (0.00087%); highest among the groups gnomAD compares: Middle Eastern, 0.017%; no homozygotes.

Submissions (2):

Ambry Genetics
Classification: Uncertain significance for Inborn genetic diseases. Last evaluated: 2026-05-12. Review status: criteria provided, single submitter. Criteria: Ambry Variant Classification Scheme 2023. Collection method: clinical testing. Allele origin: germline.

Labcorp Genetics (formerly Invitae), Labcorp
Classification: Uncertain significance for Immunodeficiency 104. Last evaluated: 2022-06-13. Review status: criteria provided, single submitter. Criteria: Invitae Variant Classification Sherloc (09022015). Collection method: clinical testing. Allele origin: germline.
Comment: This sequence change replaces valine, which is neutral and non-polar, with alanine, which is neutral and non-polar, at codon 619 of the PTPRC protein (p.Val619Ala). This variant is present in population databases (no rsID available, gnomAD 0.006%). This variant has not been reported in the literature in individuals affected with PTPRC-related conditions. Algorithms developed to predict the effect of missense changes on protein structure and function (SIFT, PolyPhen-2, Align-GVGD) all suggest that this variant is likely to be disruptive. In summary, the available evidence is currently insufficient to determine the role of this variant in disease. Therefore, it has been classified as a Variant of Uncertain Significance.